The following is an entry in ClinVar:

ClinVar aggregate classification (germline): Uncertain significance (1 of 4 stars; one submission).

Conditions:
Hereditary cancer-predisposing syndrome. Also called: Hereditary Cancer Syndrome; Hereditary neoplastic syndrome; Neoplastic Syndromes, Hereditary; Tumor predisposition. Identifiers: Orphanet 140162, MedGen C0027672, MeSH D009386, MONDO:0015356.

Submission:

Sema4
Classification: Uncertain significance for Hereditary cancer-predisposing syndrome. Last evaluated: 2022-03-18. Review status: criteria provided, single submitter. Criteria: Sema4 Curation Guidelines. Collection method: curation. Allele origin: germline.
Comment: The TSC2 c.5260-7C>G variant has not been reported in the literature to our knowledge. It was not observed in the large and broad cohorts of the Genome Aggregation Database (PMID: 32461654). This variant has not been reported in ClinVar. In silico tools suggest that the variant does not impact splicing, though these predictions have not been confirmed by functional studies. The evidence is insufficient to meet ACMG/AMP criteria for classifying the variant as benign or pathogenic. Thus, the clinical significance of this variant is currently uncertain.

NM_000548.5(TSC2):c.5260-7C>G

Gene: TSC2 (TSC complex subunit 2; plus strand). Cytogenetic location: 16p13.3.
Variant type: single nucleotide variant.
Coding change: c.5260-7C>G on transcript NM_000548.5 (MANE Select); 7 bases into the intron before coding-DNA position 5260, C replaced by G.
Molecular consequence: intron variant.
Genome position (GRCh38, 1-based): chr16:2,088,439, C>G. VCF-style: chr16-2088439-C-G. GRCh37 (hg19) VCF-style: chr16-2138440-C-G.
Other names: c.5191-7C>G (NM_001114382.3); c.5131-7C>G (NM_021055.3); c.5119-7C>G (NM_001370405.1); c.5062-7C>G (NM_001363528.2); c.5128-7C>G (NM_001370404.1); c.5059-7C>G (NM_001077183.3); c.4951-7C>G (NM_001318827.2); c.4528-7C>G (NM_001318831.2); and 2 more.
Identifiers: ClinVar variation 1692509 (VCV001692509.1), dbSNP rs1596462958, ClinGen allele CA2573151986.